The following is an entry in ClinVar:

ClinVar aggregate classification (germline): Pathogenic (1 of 4 stars; one submission).

Submission:

GeneDx
Classification: Pathogenic. Last evaluated: 2023-11-09. Review status: criteria provided, single submitter. Criteria: GeneDx Variant Classification Process June 2021. Collection method: clinical testing. Allele origin: germline.
Comment: Not observed at significant frequency in large population cohorts (gnomAD); In silico analysis supports that this missense variant has a deleterious effect on protein structure/function; Has not been previously published as pathogenic or benign to our knowledge

NM_006908.5(RAC1):c.394A>G (p.Lys132Glu)

Gene: RAC1 (Rac family small GTPase 1; plus strand). Cytogenetic location: 7p22.1.
Variant type: single nucleotide variant.
Coding change: c.394A>G on transcript NM_006908.5 (MANE Select); coding-DNA position 394, A replaced by G.
Protein change: p.Lys132Glu; replaces lysine 132 with glutamic acid.
Molecular consequence: missense variant.
Genome position (GRCh38, 1-based): chr7:6,401,973, A>G. VCF-style: chr7-6401973-A-G. GRCh37 (hg19) VCF-style: chr7-6441604-A-G.
Other names: c.451A>G, p.Lys151Glu (NM_018890.4); short protein forms K132E, K151E.
Identifiers: ClinVar variation 2503252 (VCV002503252.2), dbSNP rs2534047485, ClinGen allele CA366766501.
Genomic context (GRCh38, chr7:6,401,973, plus strand): 5'-CTAGTGGGAACTAAACTTGATCTTAGGGATGATAAAGACACGATCGAGAAACTGAAGGAG[A>G]AGAAGCTGACTCCCATCACCTATCCGCAGGGTCTAGCCATGGCTAAGGAGATTGGTATGG-3'
Protein context (NP_008839.2, residues 122-142): DKDTIEKLKE[Lys132Glu]KLTPITYPQG